The following is an entry in ClinVar:

NM_000051.4(ATM):c.156A>C (p.Gly52=)

Gene: ATM (ATM serine/threonine kinase; plus strand). Cytogenetic location: 11q22.3.
Variant type: single nucleotide variant.
Coding change: c.156A>C on transcript NM_000051.4 (MANE Select); coding-DNA position 156, A replaced by C.
Protein change: p.Gly52=; no amino-acid change (glycine 52 retained).
Molecular consequence: synonymous variant.
Genome position (GRCh38, 1-based): chr11:108,227,859, A>C. VCF-style: chr11-108227859-A-C. GRCh37 (hg19) VCF-style: chr11-108098586-A-C.
Other names: c.156A>C, p.Gly52= (NM_001351834.2, NM_001351835.2, NM_001351836.2).
Identifiers: ClinVar variation 233906 (VCV000233906.18), dbSNP rs876660725, ClinGen allele CA10578945.

ClinVar aggregate classification (germline): Conflicting classifications of pathogenicity. Review status: criteria provided, conflicting classifications (1 of 4 stars). 5 submissions from 5 submitters: Uncertain significance (1); Benign (1); Likely benign (2). 1 of the submissions does not count toward it. Last evaluated 2025-12-19.

Conditions:
Familial cancer of breast. Also called: hereditary breast carcinoma; BREAST CANCER, FAMILIAL; Hereditary breast cancer. Identifiers: Orphanet 227535, MedGen C0346153, MONDO:0016419, OMIM 114480. Disease mechanism: loss of function.
ATM-related disorder. Also called: ATM-related disorders; ATM-related condition.
Hereditary cancer-predisposing syndrome. Also called: Tumor predisposition; Hereditary Cancer Syndrome; Hereditary neoplastic syndrome; Neoplastic Syndromes, Hereditary. Identifiers: Orphanet 140162, MedGen C0027672, MeSH D009386, MONDO:0015356.
Ataxia-telangiectasia syndrome (AT). Also called: Ataxia telangiectasia (A-T); LOUIS-BAR SYNDROME; Cerebello-oculocutaneous telangiectasia; Immunodeficiency with ataxia telangiectasia; ATAXIA-TELANGIECTASIA, COMPLEMENTATION GROUP A; ATAXIA-TELANGIECTASIA, FRESNO VARIANT. Identifiers: Orphanet 100, MedGen C0004135, MONDO:0008840, OMIM 208900.

Allele frequency attached by ClinVar (database versions not stated): TOPMed below 0.00001.
gnomAD v4.1: 1 of 1,613,184 alleles (0.000062%); highest among the groups gnomAD compares: Non-Finnish European, 0.000085%; no homozygotes.

Submissions (5):

Labcorp Genetics (formerly Invitae), Labcorp
Classification: Likely benign for Ataxia-telangiectasia syndrome. Last evaluated: 2025-12-19. Review status: criteria provided, single submitter. Criteria: Invitae Variant Classification Sherloc (09022015). Collection method: clinical testing. Allele origin: germline.

Myriad Genetics, Inc.
Classification: Benign for Familial cancer of breast. Last evaluated: 2024-04-17. Review status: criteria provided, single submitter. Criteria: Myriad Autosomal Dominant, Autosomal Recessive and X-Linked Classification Criteria (2023). Collection method: clinical testing. Allele origin: unknown.
Comment: This variant is considered benign. This variant is a silent/synonymous amino acid change and it is not expected to impact splicing.

GeneDx
Classification: Uncertain significance. Last evaluated: 2024-03-05. Review status: criteria provided, single submitter. Criteria: GeneDx Variant Classification Process June 2021. Collection method: clinical testing. Allele origin: germline. Affected: yes.
Comment: Not observed at significant frequency in large population cohorts (gnomAD); Has not been previously published as pathogenic or benign to our knowledge; In silico analysis suggests this variant may impact gene splicing. In the absence of RNA/functional studies, the actual effect of this sequence change is unknown.

Ambry Genetics
Classification: Likely benign for Hereditary cancer-predisposing syndrome. Last evaluated: 2015-09-16. Review status: criteria provided, single submitter. Criteria: Ambry Variant Classification Scheme 2023. Collection method: clinical testing. Allele origin: germline.

PreventionGenetics, part of Exact Sciences
Classification: Likely benign for ATM-related condition. Last evaluated: 2021-07-29. Review status: no assertion criteria provided. Collection method: clinical testing. Allele origin: germline. Not counted in ClinVar's aggregate classification.
Comment: This variant is classified as likely benign based on ACMG/AMP sequence variant interpretation guidelines (Richards et al. 2015 PMID: 25741868, with internal and published modifications).